The following is an entry in ClinVar:

NM_004006.3(DMD):c.5476G>T (p.Glu1826Ter)

Gene: DMD (dystrophin; minus strand). Cytogenetic location: Xp21.1.
Variant type: single nucleotide variant.
Coding change: c.5476G>T on transcript NM_004006.3 (MANE Select); coding-DNA position 5476, G replaced by T.
Protein change: p.Glu1826Ter; replaces glutamic acid 1826 with a stop codon.
Molecular consequence: nonsense.
Genome position (GRCh38, 1-based): chrX:32,346,053, C>A on the plus strand (G>T on the coding strand, the complement: DMD is on the minus strand). VCF-style: chrX-32346053-C-A. GRCh37 (hg19) VCF-style: chrX-32364170-C-A.
Other names: c.5452G>T, p.Glu1818Ter (NM_000109.4); c.5464G>T, p.Glu1822Ter (NM_004009.3); c.5107G>T, p.Glu1703Ter (NM_004010.3); c.1453G>T, p.Glu485Ter (NM_004011.4); c.1444G>T, p.Glu482Ter (NM_004012.4); short protein forms E1703*, E1818*, E1822*, E1826*, E482*, E485*.
Identifiers: ClinVar variation 996267 (VCV000996267.11), dbSNP rs140913030, ClinGen allele CA412667453.

ClinVar aggregate classification (germline): Pathogenic/Likely pathogenic. Review status: criteria provided, multiple submitters, no conflicts (2 of 4 stars). 3 submissions from 3 submitters: Pathogenic (2); Likely pathogenic (1). Last evaluated 2021-08-31.

Conditions:
Duchenne muscular dystrophy (DMD). Also called: MUSCULAR DYSTROPHY, PSEUDOHYPERTROPHIC PROGRESSIVE, DUCHENNE TYPE; Duchenne Muscular Dystrophy (DMD). Identifiers: Orphanet 98896, MedGen C0013264, MONDO:0010679, OMIM 310200.
Neuromuscular disease caused by qualitative or quantitative defects of dystrophin. Also called: Qualitative or quantitative defects of dystrophin. Identifiers: Orphanet 207085, MedGen C5679787, MONDO:0016147.

Submissions (3):

Labcorp Genetics (formerly Invitae), Labcorp
Classification: Pathogenic for Duchenne muscular dystrophy. Last evaluated: 2021-08-31. Review status: criteria provided, single submitter. Criteria: Invitae Variant Classification Sherloc (09022015). Collection method: clinical testing. Allele origin: germline.
Comment: This sequence change creates a premature translational stop signal (p.Glu1826*) in the DMD gene. It is expected to result in an absent or disrupted protein product. Loss-of-function variants in DMD are known to be pathogenic (PMID: 16770791, 25007885). This variant is not present in population databases (ExAC no frequency). This premature translational stop signal has been observed in individual(s) with dystrophinopathy (PMID: 19760747). ClinVar contains an entry for this variant (Variation ID: 996267). For these reasons, this variant has been classified as Pathogenic.

Women's Health and Genetics/Laboratory Corporation of America, LabCorp
Classification: Likely pathogenic for Neuromuscular disease caused by qualitative or quantitative defects of dystrophin. Last evaluated: 2021-01-04. Review status: criteria provided, single submitter. Criteria: LabCorp Variant Classification Summary - May 2015. Collection method: clinical testing. Allele origin: germline.
Comment: Variant summary: DMD c.5476G>T (p.Glu1826X) results in a premature termination codon, predicted to cause a truncation of the encoded protein or absence of the protein due to nonsense mediated decay, which are commonly known mechanisms for disease. Truncations downstream of this position have been classified as pathogenic by our laboratory. The variant was absent in 182511 control chromosomes (gnomAD). c.5476G>T has been reported in the literature in individuals affected with Dystrophinopathies (Spitali_2009, Torella_2010). These data indicate that the variant may be associated with disease. To our knowledge, no experimental evidence demonstrating an impact on protein function has been reported. No clinical diagnostic laboratories have submitted clinical-significance assessments for this variant to ClinVar after 2014. Based on the evidence outlined above, the variant was classified as likely pathogenic.

GeneDx
Classification: Pathogenic. Last evaluated: 2016-01-14. Review status: criteria provided, single submitter. Criteria: GeneDx Variant Classification Process June 2021. Collection method: clinical testing. Allele origin: germline. Affected: yes.
Comment: Based on the understanding of this genetic alteration, it may be amenable to nonsense read-through therapy that is currently available or in clinical trial; This variant is associated with the following publications: (PMID: 19760747, 25525159)

Literature cited by the submitters: PubMed 16770791 (cited by Labcorp Genetics (formerly Invitae), Labcorp); PubMed 25007885 (cited by Labcorp Genetics (formerly Invitae), Labcorp); PubMed 19760747 (cited by Labcorp Genetics (formerly Invitae), Labcorp and Women's Health and Genetics/Laboratory Corporation of America, LabCorp); PubMed 19959795 (cited by Women's Health and Genetics/Laboratory Corporation of America, LabCorp).